The following is an entry in ClinVar:

ClinVar aggregate classification (germline): Uncertain significance (1 of 4 stars; one submission).

Submission:

Labcorp Genetics (formerly Invitae), Labcorp
Classification: Uncertain significance. Last evaluated: 2023-08-01. Review status: criteria provided, single submitter. Criteria: Invitae Variant Classification Sherloc (09022015). Collection method: clinical testing. Allele origin: germline.
Comment: Variants that disrupt the consensus splice site are a relatively common cause of aberrant splicing (PMID: 17576681, 9536098). RNA analysis performed to evaluate the impact of this variant on mRNA splicing indicates it does not significantly alter splicing (Invitae). In summary, the available evidence is currently insufficient to determine the role of this variant in disease. Therefore, it has been classified as a Variant of Uncertain Significance. This sequence change falls in intron 7 of the POLE gene. It does not directly change the encoded amino acid sequence of the POLE protein. It affects a nucleotide within the consensus splice site. This variant is present in population databases (rs755568208, gnomAD 0.006%). This variant has not been reported in the literature in individuals affected with POLE-related conditions. ClinVar contains an entry for this variant (Variation ID: 1015586).

Literature cited by the submitters: PubMed 17576681; PubMed 9536098.

NM_006231.4(POLE):c.720+6_720+7del

Gene: POLE (DNA polymerase epsilon, catalytic subunit; minus strand). Cytogenetic location: 12q24.33.
Variant type: Deletion.
Coding change: c.720+6_720+7del on transcript NM_006231.4 (MANE Select); bases 6 to 7 of the intron after coding-DNA position 720, 2 bases deleted (TG; older notation c.720+6_720+7delTG).
Molecular consequence: intron variant.
Genome position (GRCh38, 1-based): chr12:132,677,571-132,677,572, CA deleted on the plus strand (TG on the coding strand, the reverse complement: POLE is on the minus strand); deleting any 2 consecutive bases within chr12:132,677,571-132,677,573 gives the same sequence; the c. name uses the placement nearest the transcript's 3' end. VCF-style (leftmost placement, unchanged base first): chr12-132677570-CCA-C. GRCh37 (hg19) VCF-style: chr12-133254156-CCA-C.
Identifiers: ClinVar variation 1015586 (VCV001015586.8), dbSNP rs755568208, ClinGen allele CA6894224.